The following is an entry in ClinVar:

ClinVar aggregate classification (germline): Uncertain significance. Review status: criteria provided, multiple submitters, no conflicts (2 of 4 stars). 2 submissions from 2 submitters: Uncertain significance (2). Last evaluated 2026-07-13.

Conditions:
Cardiovascular phenotype. Identifiers: MedGen CN230736.
3-Methylglutaconic aciduria type 2 (BTHS). Also called: Barth syndrome; CARDIOSKELETAL MYOPATHY WITH NEUTROPENIA AND ABNORMAL MITOCHONDRIA. Identifiers: Orphanet 111, MedGen C0574083, MONDO:0010543, OMIM 302060.

Allele frequency attached by ClinVar (database versions not stated): ExAC 0.00002; gnomAD exomes 0.00002.
gnomAD v4.1: 23 of 1,212,068 alleles (0.0019%); highest among the groups gnomAD compares: South Asian, 0.04%; no homozygotes.

Submissions (2):

Ambry Genetics
Classification: Uncertain significance for Cardiovascular phenotype. Last evaluated: 2026-07-13. Review status: criteria provided, single submitter. Criteria: Ambry Variant Classification Scheme 2023. Collection method: clinical testing. Allele origin: germline.
Comment: The p.E202D variant (also known as c.606G>C), located in coding exon 8 of the TAZ gene, results from a G to C substitution at nucleotide position 606. The glutamic acid at codon 202 is replaced by aspartic acid, an amino acid with highly similar properties. This amino acid position is conserved. In addition, the in silico prediction for this alteration is inconclusive. Based on the available evidence, the clinical significance of this variant remains unclear.

Labcorp Genetics (formerly Invitae), Labcorp
Classification: Uncertain significance for 3-Methylglutaconic aciduria type 2. Last evaluated: 2025-06-16. Review status: criteria provided, single submitter. Criteria: Invitae Variant Classification Sherloc (09022015). Collection method: clinical testing. Allele origin: germline.
Comment: This sequence change replaces glutamic acid, which is acidic and polar, with aspartic acid, which is acidic and polar, at codon 202 of the TAZ protein (p.Glu202Asp). This variant is present in population databases (rs781893396, gnomAD 0.02%). This variant has not been reported in the literature in individuals affected with TAZ-related conditions. ClinVar contains an entry for this variant (Variation ID: 580242). An algorithm developed to predict the effect of missense changes on protein structure and function (PolyPhen-2) suggests that this variant is likely to be disruptive. In summary, the available evidence is currently insufficient to determine the role of this variant in disease. Therefore, it has been classified as a Variant of Uncertain Significance.

NM_000116.5(TAFAZZIN):c.606G>C (p.Glu202Asp)

Gene: TAFAZZIN (tafazzin, phospholipid-lysophospholipid transacylase; plus strand). Cytogenetic location: Xq28.
Variant type: single nucleotide variant.
Coding change: c.606G>C on transcript NM_000116.5 (MANE Select); coding-DNA position 606, G replaced by C.
Protein change: p.Glu202Asp; replaces glutamic acid 202 with aspartic acid.
Molecular consequence: missense variant. On other transcripts: non-coding transcript variant (1).
Genome position (GRCh38, 1-based): chrX:154,420,054, G>C. VCF-style: chrX-154420054-G-C. GRCh37 (hg19) VCF-style: chrX-153648393-G-C.
Other names: c.618G>C, p.Glu206Asp (NM_001303465.2); c.516G>C, p.Glu172Asp (NM_181311.4); c.564G>C, p.Glu188Asp (NM_181312.4); c.474G>C, p.Glu158Asp (NM_181313.4); c.606G>C (NM_000116.3); short protein forms E202D, E188D, E158D, E172D, E206D.
Identifiers: ClinVar variation 580242 (VCV000580242.6), dbSNP rs781893396, ClinGen allele CA10562387.